The following is an entry in ClinVar:

NM_001783.4(CD79A):c.419C>T (p.Thr140Ile)

Genes: CD79A (CD79a molecule; plus strand), RPS19-CD79A (RPS19-CD79A readthrough; plus strand). Cytogenetic location: 19q13.2.
Variant type: single nucleotide variant.
Coding change: c.419C>T on transcript NM_001783.4 (MANE Select); coding-DNA position 419, C replaced by T.
Protein change: p.Thr140Ile; replaces threonine 140 with isoleucine.
Molecular consequence: missense variant.
Genome position (GRCh38, 1-based): chr19:41,879,574, C>T. VCF-style: chr19-41879574-C-T. GRCh37 (hg19) VCF-style: chr19-42383644-C-T.
Other names: c.305C>T, p.Thr102Ile (NM_021601.4); short protein forms T140I, T102I.
Identifiers: ClinVar variation 587546 (VCV000587546.10), dbSNP rs148797987, ClinGen allele CA9465616.

ClinVar aggregate classification (germline): Uncertain significance. Review status: criteria provided, multiple submitters, no conflicts (2 of 4 stars). 3 submissions from 3 submitters: Uncertain significance (3). Last evaluated 2025-06-29.

Conditions:
Autosomal recessive agammaglobulinemia 1 (AGM1). Also called: Agammaglobulinemia type 1; AGAMMAGLOBULINEMIA, AUTOSOMAL RECESSIVE, DUE TO IGHM DEFECT. Identifiers: MedGen C3152144, MONDO:0020729, OMIM 601495.
Agammaglobulinemia 3, autosomal recessive (AGM3). Also called: AGAMMAGLOBULINEMIA 3; AGAMMAGLOBULINEMIA, AUTOSOMAL RECESSIVE, DUE TO CD79A DEFECT. Identifiers: MedGen C3150751, MONDO:0013288, OMIM 613501.

Submissions (3):

Ambry Genetics
Classification: Uncertain significance. Last evaluated: 2025-06-29. Review status: criteria provided, single submitter. Criteria: Ambry Variant Classification Scheme 2023. Collection method: clinical testing. Allele origin: germline.

Labcorp Genetics (formerly Invitae), Labcorp
Classification: Uncertain significance for Agammaglobulinemia 3, autosomal recessive. Last evaluated: 2022-06-27. Review status: criteria provided, single submitter. Criteria: Invitae Variant Classification Sherloc (09022015). Collection method: clinical testing. Allele origin: germline.
Comment: In summary, the available evidence is currently insufficient to determine the role of this variant in disease. Therefore, it has been classified as a Variant of Uncertain Significance. Algorithms developed to predict the effect of missense changes on protein structure and function are either unavailable or do not agree on the potential impact of this missense change (SIFT: "Deleterious"; PolyPhen-2: "Probably Damaging"; Align-GVGD: "Class C0"). ClinVar contains an entry for this variant (Variation ID: 587546). This variant has not been reported in the literature in individuals affected with CD79A-related conditions. The frequency data for this variant in the population databases is considered unreliable, as metrics indicate poor data quality at this position in the gnomAD database. This sequence change replaces threonine, which is neutral and polar, with isoleucine, which is neutral and non-polar, at codon 140 of the CD79A protein (p.Thr140Ile).

Genomic Research Center, Shahid Beheshti University of Medical Sciences
Classification: Uncertain significance for Agammaglobulinemia, non-Bruton type. Last evaluated: 2018-08-07. Review status: criteria provided, single submitter. Criteria: ACMG Guidelines, 2015. Collection method: clinical testing. Allele origin: inherited. Observed: 1 variant allele.